The following is an entry in ClinVar:

ClinVar aggregate classification (germline): Likely benign. Review status: criteria provided, multiple submitters, no conflicts (2 of 4 stars). 2 submissions from 2 submitters: Likely benign (2). Last evaluated 2026-03-31.

Conditions:
ADGRV1-related disorder. Also called: ADGRV1-related condition; ADGRV1-related disorders.

Submissions (2):

PreventionGenetics, part of Exact Sciences
Classification: Likely benign for ADGRV1-related condition. Last evaluated: 2026-03-31. Review status: criteria provided, single submitter. Criteria: ACMG Guidelines, 2015. Collection method: clinical testing. Allele origin: germline.
Comment: This variant is classified as likely benign based on ACMG/AMP sequence variant interpretation guidelines (Richards et al. 2015 PMID: 25741868, with internal and published modifications).

Labcorp Genetics (formerly Invitae), Labcorp
Classification: Likely benign. Last evaluated: 2024-07-23. Review status: criteria provided, single submitter. Criteria: Invitae Variant Classification Sherloc (09022015). Collection method: clinical testing. Allele origin: germline.

NM_032119.4(ADGRV1):c.17199T>A (p.Gly5733=)

Gene: ADGRV1 (adhesion G protein-coupled receptor V1; plus strand). Cytogenetic location: 5q14.3.
Variant type: single nucleotide variant.
Coding change: c.17199T>A on transcript NM_032119.4 (MANE Select); coding-DNA position 17199, T replaced by A.
Protein change: p.Gly5733=; no amino-acid change (glycine 5733 retained).
Molecular consequence: synonymous variant. On other transcripts: non-coding transcript variant (1).
Genome position (GRCh38, 1-based): chr5:90,848,816, T>A. VCF-style: chr5-90848816-T-A. GRCh37 (hg19) VCF-style: chr5-90144633-T-A.
Other names: c.17199T>A (NM_032119.3).
Identifiers: ClinVar variation 2957478 (VCV002957478.4), dbSNP rs1766176442, ClinGen allele CA445436895.